The following is an entry in ClinVar:

NC_000012.12:g.40485799A>T

Gene: MUC19 (mucin 19, oligomeric (gene/pseudogene); plus strand). Cytogenetic location: 12q12.
Variant type: single nucleotide variant.
Genome position: GRCh38 VCF-style: chr12-40485799-A-T. GRCh37 (hg19) VCF-style: chr12-40879601-A-T.
Identifiers: ClinVar variation 2642871 (VCV002642871.24), dbSNP rs567412382, ClinGen allele CA235376100.

ClinVar aggregate classification (germline): Likely benign (1 of 4 stars; one submission).

Allele frequency attached by ClinVar (database versions not stated): gnomAD 0.00010; 1000 Genomes Project 0.00020; gnomAD exomes 0.00028.

Submission:

CeGaT Center for Human Genetics Tuebingen
Classification: Likely benign. Last evaluated: 2022-06-01. Review status: criteria provided, single submitter. Criteria: CeGaT Center For Human Genetics Tuebingen Variant Classification Criteria Version 2. Collection method: clinical testing. Allele origin: germline. Affected: yes. Observed: 1 variant allele.
Comment: MUC19: BP4, BP7